The following is an entry in ClinVar:

ClinVar aggregate classification (germline): Likely pathogenic (1 of 4 stars; one submission).

Submission:

GeneDx
Classification: Likely pathogenic. Last evaluated: 2021-12-06. Review status: criteria provided, single submitter. Criteria: GeneDx Variant Classification Process June 2021. Collection method: clinical testing. Allele origin: germline. Affected: yes.
Comment: Not observed at significant frequency in large population cohorts (Lek et al., 2016); In silico analysis supports that this missense variant has a deleterious effect on protein structure/function; Has not been previously published as pathogenic or benign to our knowledge

NM_014239.4(EIF2B2):c.581G>A (p.Cys194Tyr)

Gene: EIF2B2 (eukaryotic translation initiation factor 2B subunit beta; plus strand). Cytogenetic location: 14q24.3.
Variant type: single nucleotide variant.
Coding change: c.581G>A on transcript NM_014239.4 (MANE Select); coding-DNA position 581, G replaced by A.
Protein change: p.Cys194Tyr; replaces cysteine 194 with tyrosine.
Molecular consequence: missense variant.
Genome position (GRCh38, 1-based): chr14:75,004,884, G>A. VCF-style: chr14-75004884-G-A. GRCh37 (hg19) VCF-style: chr14-75471587-G-A.
Other names: short protein forms C194Y.
Identifiers: ClinVar variation 430268 (VCV000430268.4), dbSNP rs1131691872, ClinGen allele CA390426224.